The following is an entry in ClinVar:

NM_003924.4(PHOX2B):c.836C>A (p.Pro279His)

Gene: PHOX2B (paired like homeobox 2B; minus strand). Cytogenetic location: 4p13.
Variant type: single nucleotide variant.
Coding change: c.836C>A on transcript NM_003924.4 (MANE Select); coding-DNA position 836, C replaced by A.
Protein change: p.Pro279His; replaces proline 279 with histidine.
Molecular consequence: missense variant.
Genome position (GRCh38, 1-based): chr4:41,745,916, G>T on the plus strand (C>A on the coding strand, the complement: PHOX2B is on the minus strand). VCF-style: chr4-41745916-G-T. GRCh37 (hg19) VCF-style: chr4-41747933-G-T.
Other names: short protein forms P279H.
Identifiers: ClinVar variation 3306278 (VCV003306278.1).

ClinVar aggregate classification (germline): Uncertain significance (1 of 4 stars; one submission).

Conditions:
Hereditary cancer-predisposing syndrome. Also called: Tumor predisposition; Hereditary Cancer Syndrome; Hereditary neoplastic syndrome; Neoplastic Syndromes, Hereditary. Identifiers: Orphanet 140162, MedGen C0027672, MeSH D009386, MONDO:0015356.

Submission:

Ambry Genetics
Classification: Uncertain significance for Hereditary cancer-predisposing syndrome. Last evaluated: 2024-05-04. Review status: criteria provided, single submitter. Criteria: Ambry Variant Classification Scheme 2023. Collection method: clinical testing. Allele origin: germline.
Comment: The p.P279H variant (also known as c.836C>A), located in coding exon 3 of the PHOX2B gene, results from a C to A substitution at nucleotide position 836. The proline at codon 279 is replaced by histidine, an amino acid with similar properties. This amino acid position is conserved. In addition, the in silico prediction for this alteration is inconclusive. Based on the available evidence, the clinical significance of this variant remains unclear.